The following is an entry in ClinVar:

ClinVar aggregate classification (germline): Likely benign (1 of 4 stars; one submission).

Conditions:
Hereditary spastic paraplegia 6 (SPG6). Also called: SPASTIC PARAPLEGIA 6, AUTOSOMAL DOMINANT. Identifiers: Orphanet 100988, MedGen C1838192, MONDO:0010878, OMIM 600363.

gnomAD v4.1: 16 of 1,613,272 alleles (0.00099%); highest among the groups gnomAD compares: South Asian, 0.016%; no homozygotes.

Submission:

Centre for Medical Genetics,  Mumbai
Classification: Likely benign for Hereditary spastic paraplegia 6. Last evaluated: 2026-05-06. Review status: criteria provided, single submitter. Criteria: ACMG Guidelines, 2015. Collection method: provider interpretation. Allele origin: germline. Inheritance: Autosomal dominant inheritance. Affected: no. Observed: 1 variant allele, 1 heterozygote.
Comment: The variant satisfies PM2 criteria - extremely low frequency in gnomAD population databases. However, the variant satisfies BS2 criteria - present in heterozygous state in an individual that clinically does not have spastic paraplegia.

Literature cited by the submitters: PubMed 14508710.

NM_144599.5(NIPA1):c.952C>T (p.Leu318Phe)

Gene: NIPA1 (NIPA magnesium transporter 1; plus strand). Cytogenetic location: 15q11.2.
Variant type: single nucleotide variant.
Coding change: c.952C>T on transcript NM_144599.5 (MANE Select); coding-DNA position 952, C replaced by T.
Protein change: p.Leu318Phe; replaces leucine 318 with phenylalanine.
Molecular consequence: missense variant.
Genome position (GRCh38, 1-based): chr15:22,824,201, C>T. VCF-style: chr15-22824201-C-T. GRCh37 (hg19) VCF-style: chr15-23048867-G-A.
Other names: c.727C>T, p.Leu243Phe (NM_001142275.1); short protein forms L243F, L318F.
Identifiers: ClinVar variation 4852296 (VCV004852296.1).
Genomic context (GRCh38, chr15:22,824,201, plus strand): 5'-TTCACGACCGTCTCCGTGGGGATTGTCCTTATACAGGTGTTCAAAGAGTTCAATTTCAAC[C>T]TTGGGGAGATGAACAAATCTAATATGAAAACAGACTAGATTGCAATAGGAGCTTGGATGG-3'
Protein context (NP_653200.2, residues 308-328): IQVFKEFNFN[Leu318Phe]GEMNKSNMKT